The following is an entry in ClinVar:

ClinVar aggregate classification (germline): Uncertain significance (1 of 4 stars; one submission).

Conditions:
Atrioventricular septal defect 5 (AVSD5). Identifiers: MedGen C3280939, MONDO:0013769, OMIM 614474.

Submission:

Labcorp Genetics (formerly Invitae), Labcorp
Classification: Uncertain significance for Atrioventricular septal defect 5. Last evaluated: 2023-03-10. Review status: criteria provided, single submitter. Criteria: Invitae Variant Classification Sherloc (09022015). Collection method: clinical testing. Allele origin: germline.
Comment: In summary, the available evidence is currently insufficient to determine the role of this variant in disease. Therefore, it has been classified as a Variant of Uncertain Significance. An algorithm developed to predict the effect of missense changes on protein structure and function (PolyPhen-2) suggests that this variant is likely to be tolerated. ClinVar contains an entry for this variant (Variation ID: 1388882). This variant has not been reported in the literature in individuals affected with GATA6-related conditions. This variant is not present in population databases (gnomAD no frequency). This sequence change replaces serine, which is neutral and polar, with alanine, which is neutral and non-polar, at codon 44 of the GATA6 protein (p.Ser44Ala).

NM_005257.6(GATA6):c.130T>G (p.Ser44Ala)

Gene: GATA6 (GATA binding protein 6; plus strand). Cytogenetic location: 18q11.2.
Variant type: single nucleotide variant.
Coding change: c.130T>G on transcript NM_005257.6 (MANE Select); coding-DNA position 130, T replaced by G.
Protein change: p.Ser44Ala; replaces serine 44 with alanine.
Molecular consequence: missense variant.
Genome position (GRCh38, 1-based): chr18:22,171,274, T>G. VCF-style: chr18-22171274-T-G. GRCh37 (hg19) VCF-style: chr18-19751235-T-G.
Other names: short protein forms S44A.
Identifiers: ClinVar variation 1388882 (VCV001388882.6), dbSNP rs2143273972, ClinGen allele CA401798767.